The following is an entry in ClinVar:

ClinVar aggregate classification (germline): Uncertain significance. Review status: criteria provided, multiple submitters, no conflicts (2 of 4 stars). 2 submissions from 2 submitters: Uncertain significance (2). Last evaluated 2024-08-06.

Allele frequency attached by ClinVar (database versions not stated): 1000 Genomes Project 30x 0.00016; 1000 Genomes Project 0.00020; gnomAD 0.00023; TOPMed 0.00023; ExAC 0.00029.
gnomAD v4.1: 428 of 1,600,336 alleles (0.027%); highest among the groups gnomAD compares: Middle Eastern, 0.2%; no homozygotes.

Submissions (2):

Women's Health and Genetics/Laboratory Corporation of America, LabCorp
Classification: Uncertain significance. Last evaluated: 2024-08-06. Review status: criteria provided, single submitter. Criteria: LabCorp Variant Classification Summary - May 2015. Collection method: clinical testing. Allele origin: germline.
Comment: Variant summary: GLI1 c.2524C>T (p.Pro842Ser) results in a non-conservative amino acid change in the encoded protein sequence. Four of five in-silico tools predict a benign effect of the variant on protein function. The variant allele was found at a frequency of 0.00035 in 237096 control chromosomes. This frequency is not significantly higher than estimated for a pathogenic variant in GLI1 causing GLI1-Related Disorders, allowing no conclusion about variant significance. To our knowledge, no occurrence of c.2524C>T in individuals affected with GLI1-Related Disorders and no experimental evidence demonstrating its impact on protein function have been reported. ClinVar contains an entry for this variant (Variation ID: 2222824). Based on the evidence outlined above, the variant was classified as uncertain significance.

Ambry Genetics
Classification: Uncertain significance. Last evaluated: 2021-08-10. Review status: criteria provided, single submitter. Criteria: Ambry Variant Classification Scheme 2023. Collection method: clinical testing. Allele origin: germline.

NM_005269.3(GLI1):c.2524C>T (p.Pro842Ser)

Gene: GLI1 (GLI family zinc finger 1; plus strand). Cytogenetic location: 12q13.3.
Variant type: single nucleotide variant.
Coding change: c.2524C>T on transcript NM_005269.3 (MANE Select); coding-DNA position 2524, C replaced by T.
Protein change: p.Pro842Ser; replaces proline 842 with serine.
Molecular consequence: missense variant.
Genome position (GRCh38, 1-based): chr12:57,471,264, C>T. VCF-style: chr12-57471264-C-T. GRCh37 (hg19) VCF-style: chr12-57865047-C-T.
Other names: c.2140C>T, p.Pro714Ser (NM_001160045.2); c.2401C>T, p.Pro801Ser (NM_001167609.2); short protein forms P842S, P714S, P801S.
Identifiers: ClinVar variation 2222824 (VCV002222824.3), dbSNP rs61734542, ClinGen allele CA6649001.